The following is an entry in ClinVar:

ClinVar aggregate classification (germline): Uncertain significance (1 of 4 stars; one submission).

Conditions:
Long QT syndrome (LQTS). Identifiers: MedGen C0023976, MeSH D008133, MONDO:0002442. Disease mechanism: loss of function. Inheritance: Various modes of inheritance.

Submission:

Labcorp Genetics (formerly Invitae), Labcorp
Classification: Uncertain significance for Long QT syndrome. Last evaluated: 2026-01-28. Review status: criteria provided, single submitter. Criteria: Invitae Variant Classification Sherloc (09022015). Collection method: clinical testing. Allele origin: germline.
Comment: This sequence change replaces serine, which is neutral and polar, with asparagine, which is neutral and polar, at codon 266 of the KCNH2 protein (p.Ser266Asn). This variant is not present in population databases (gnomAD no frequency). This variant has not been reported in the literature in individuals affected with KCNH2-related conditions. An algorithm developed to predict the effect of missense changes on protein structure and function (PolyPhen-2) suggests that this variant is likely to be tolerated. In summary, the available evidence is currently insufficient to determine the role of this variant in disease. Therefore, it has been classified as a Variant of Uncertain Significance.

NM_000238.4(KCNH2):c.797G>A (p.Ser266Asn)

Gene: KCNH2 (potassium voltage-gated channel subfamily H member 2; minus strand). Cytogenetic location: 7q36.1.
Variant type: single nucleotide variant.
Coding change: c.797G>A on transcript NM_000238.4 (MANE Select); coding-DNA position 797, G replaced by A.
Protein change: p.Ser266Asn; replaces serine 266 with asparagine.
Molecular consequence: missense variant. On other transcripts: non-coding transcript variant (1).
Genome position (GRCh38, 1-based): chr7:150,958,178, C>T on the plus strand (G>A on the coding strand, the complement: KCNH2 is on the minus strand). VCF-style: chr7-150958178-C-T. GRCh37 (hg19) VCF-style: chr7-150655266-C-T.
Other names: c.509G>A, p.Ser170Asn (NM_001406753.1, NM_001406756.1); c.620G>A, p.Ser207Asn (NM_001406755.1); c.497G>A, p.Ser166Asn (NM_001406757.1); c.797G>A, p.Ser266Asn (NM_172056.3); short protein forms S166N, S170N, S207N, S266N.
Identifiers: ClinVar variation 4798945 (VCV004798945.1).